The following is an entry in ClinVar:

ClinVar aggregate classification (germline): Uncertain significance (1 of 4 stars; one submission).

Conditions:
Brunner syndrome (BRNRS). Identifiers: Orphanet 3057, MedGen C0796275, MONDO:0010379, OMIM 300615.

Submission:

Victorian Clinical Genetics Services, Murdoch Childrens Research Institute
Classification: Uncertain significance for Brunner syndrome. Last evaluated: 2024-10-09. Review status: criteria provided, single submitter. Criteria: ACMG Guidelines, 2015. Collection method: clinical testing. Allele origin: germline. Inheritance: X-linked recessive inheritance. Affected: yes.
Comment: Based on the classification scheme VCGS_Germline_v1.3.4, this variant is classified as VUS-3A. Following criteria are met: 0102 - Loss of function is a known mechanism of disease in this gene and is associated with Brunner syndrome (MIM#300615). (I) 0109 - This gene is associated with X-linked recessive disease. (I) 0200 - Variant is predicted to result in a missense amino acid change from arginine to histidine, which appears to be due to two consecutive nucleotide substitutions affecting the same amino acid. (I) 0253 - This variant is hemizygous. (I) 0304 - Variant is present in gnomAD <0.01 for a recessive condition (v2: 0 heterozygotes, 0 homozygotes, 3 hemizygotes). The variant is listed as p.(Arg297Gln) in gnomAD, however, the available sequencing read data suggests the presence of two consecutive missense events leading to p.(Arg297His), the same change as seen in this individual. (SP) 0309 - An alternative amino acid change at the same position has been observed in gnomAD (v2) (p.(Arg297Trp): 1 heterozygotes, 0 homozygotes, 0 hemizygotes). (I) 0502 - Missense variant with conflicting in silico predictions and uninformative conservation. (I) 0600 - Variant is located in the annotated flavin containing amine oxidoreductase domain (DECIPHER). (I) 0710 - Another missense variant comparable to the one identified in this case has inconclusive previous evidence for pathogenicity. The p.Arg297Gln variant (potentially p.Arg297His, however no read data is available) has been reported as a variant of uncertain significance once by a clinical laboratory (ClinVar) and in an individual with mild intellectual disability, psychosis, axial hypotonia, talipes, and strabismus (DECIPHER). (I) 0807 - This variant has no previous evidence of pathogenicity. (I) 0905 - No published segregation evidence has been identified for this variant. (I) 1007 - No published functional evidence has been identified for this variant. (I) Legend: (SP) - Supporting pathogenic, (I) - Information, (SB) - Supporting benign

NM_000240.4(MAOA):c.890_891delinsAT (p.Arg297His)

Gene: MAOA (monoamine oxidase A; plus strand). Cytogenetic location: Xp11.3.
Variant type: Indel.
Coding change: c.890_891delinsAT on transcript NM_000240.4 (MANE Select); coding-DNA positions 890 to 891, GG replaced by AT.
Protein change: p.Arg297His; replaces arginine 297 with histidine.
Molecular consequence: missense variant.
Genome position (GRCh38, 1-based): chrX:43,731,788-43,731,789, GG replaced by AT. VCF-style: chrX-43731788-GG-AT. GRCh37 (hg19) VCF-style: chrX-43591035-GG-AT.
Other names: c.491_492delinsAT, p.Arg164His (NM_001270458.2); short protein forms R164H, R297H.
Identifiers: ClinVar variation 3377332 (VCV003377332.1).